The following is an entry in ClinVar:

ClinVar aggregate classification (germline): Uncertain significance (1 of 4 stars; one submission).

Allele frequency attached by ClinVar (database versions not stated): gnomAD exomes below 0.00001.
gnomAD v4.1: 1 of 1,613,934 alleles (0.000062%); highest among the groups gnomAD compares: Non-Finnish European, 0.000085%; no homozygotes.

Submission:

GeneDx
Classification: Uncertain significance. Last evaluated: 2014-06-05. Review status: criteria provided, single submitter. Criteria: GeneDx Variant Classification (06012015). Collection method: clinical testing. Allele origin: germline. Affected: yes.
Comment: The Y897C variant has not been published as a mutation, nor has it been reported as a benign polymorphism to our knowledge. It was not observed in approximately 6,000 individuals of European and African American ancestry in the NHLBI Exome Sequencing Project, indicating it is not a common benign variant in these populations. The Y897C variant is a non-conservative amino acid substitution, which is likely to impact secondary protein structure as these residues differ in polarity, charge, size and/or other properties. This substitution occurs at a position that is conserved in mammals. However, in silico analysis is inconsistent in its predictions as to whether or not the variant is damaging to the protein structure/function. Therefore, based on the currently available information, it is unclear whether this variant is a pathogenic mutation or a rare benign variant. The variant is found in EPILEPSY panel(s).

NM_001330078.2(NRXN1):c.2570A>G (p.Tyr857Cys)

Gene: NRXN1 (neurexin 1; minus strand). Cytogenetic location: 2p16.3.
Variant type: single nucleotide variant.
Coding change: c.2570A>G on transcript NM_001330078.2 (MANE Select); coding-DNA position 2570, A replaced by G.
Protein change: p.Tyr857Cys; replaces tyrosine 857 with cysteine.
Molecular consequence: missense variant.
Genome position (GRCh38, 1-based): chr2:50,497,642, T>C on the plus strand (A>G on the coding strand, the complement: NRXN1 is on the minus strand). VCF-style: chr2-50497642-T-C. GRCh37 (hg19) VCF-style: chr2-50724780-T-C.
Other names: p.Y897C:TAT>TGT; c.2690A>G, p.Tyr897Cys (NM_001135659.3); c.2546A>G, p.Tyr849Cys (NM_001330077.2, NM_001330082.2); c.2504A>G, p.Tyr835Cys (NM_001330083.2, NM_001330084.2); c.2543A>G, p.Tyr848Cys (NM_001330085.2); c.2570A>G, p.Tyr857Cys (NM_001330086.2, NM_004801.6); c.2459A>G, p.Tyr820Cys (NM_001330087.2, NM_001330096.2); c.2489A>G, p.Tyr830Cys (NM_001330088.2); and 3 more; short protein forms Y897C, Y830C, Y840C, Y848C, Y849C, Y853C, Y857C, Y835C.
Identifiers: ClinVar variation 206249 (VCV000206249.2), dbSNP rs796052778, ClinGen allele CA316145.